The following is an entry in ClinVar:

NM_002230.4(JUP):c.873C>A (p.Cys291Ter)

Gene: JUP (junction plakoglobin; minus strand). Cytogenetic location: 17q21.2.
Variant type: single nucleotide variant.
Coding change: c.873C>A on transcript NM_002230.4 (MANE Select); coding-DNA position 873, C replaced by A.
Protein change: p.Cys291Ter; replaces cysteine 291 with a stop codon.
Molecular consequence: nonsense.
Genome position (GRCh38, 1-based): chr17:41,767,415, G>T on the plus strand (C>A on the coding strand, the complement: JUP is on the minus strand). VCF-style: chr17-41767415-G-T. GRCh37 (hg19) VCF-style: chr17-39923667-G-T.
Other names: c.873C>A, p.Cys291Ter (NM_001352773.2, NM_001352774.2, NM_001352775.2 and 3 more transcripts); short protein forms C291*.
Identifiers: ClinVar variation 2929876 (VCV002929876.3), dbSNP rs2544160342, ClinGen allele CA399500700.

ClinVar aggregate classification (germline): Pathogenic (1 of 4 stars; one submission).

Conditions:
Naxos disease (NXD). Also called: KERATOSIS PALMOPLANTARIS WITH ARRHYTHMOGENIC CARDIOMYOPATHY; MAL DE NAXOS; PALMOPLANTAR KERATODERMA WITH ARRHYTHMOGENIC RIGHT VENTRICULAR CARDIOMYOPATHY AND WOOLLY HAIR; WOOLLY HAIR, PALMOPLANTAR KERATODERMA, AND CARDIAC ABNORMALITIES; CARDIOMYOPATHY, ARRHYTHMOGENIC RIGHT VENTRICULAR, WITH SKIN, HAIR, AND NAIL ABNORMALITIES. Identifiers: Orphanet 34217, MedGen C1832600, MONDO:0011017, OMIM 601214.
Arrhythmogenic right ventricular dysplasia 12. Also called: ARRHYTHMOGENIC RIGHT VENTRICULAR DYSPLASIA, FAMILIAL, 12. Identifiers: MedGen C1969081, MONDO:0012684, OMIM 611528.

Submission:

Labcorp Genetics (formerly Invitae), Labcorp
Classification: Pathogenic for Arrhythmogenic right ventricular dysplasia 12; Naxos disease. Last evaluated: 2023-09-06. Review status: criteria provided, single submitter. Criteria: Invitae Variant Classification Sherloc (09022015). Collection method: clinical testing. Allele origin: germline.
Comment: For these reasons, this variant has been classified as Pathogenic. This variant has not been reported in the literature in individuals affected with JUP-related conditions. This variant is not present in population databases (gnomAD no frequency). This sequence change creates a premature translational stop signal (p.Cys291*) in the JUP gene. It is expected to result in an absent or disrupted protein product. Loss-of-function variants in JUP are known to be pathogenic (PMID: 10902626).

Literature cited by the submitters: PubMed 10902626.